The following is an entry in ClinVar:

ClinVar aggregate classification (germline): Pathogenic. Review status: criteria provided, multiple submitters, no conflicts (2 of 4 stars). 9 submissions from 8 submitters: Pathogenic (6). 3 of the submissions do not count toward it. Last evaluated 2025-08-28.

Conditions:
Cardiovascular phenotype. Identifiers: MedGen CN230736.
Autosomal recessive limb-girdle muscular dystrophy type 2J (LGMDR10). Also called: MUSCULAR DYSTROPHY, LIMB-GIRDLE, AUTOSOMAL RECESSIVE 10; Limb-girdle muscular dystrophy, type 2J. Identifiers: Orphanet 140922, MedGen C1837342, MONDO:0012127, OMIM 608807.
Dilated cardiomyopathy 1G (CMD1G). Identifiers: Orphanet 154, MedGen C1858763, MONDO:0011400, OMIM 604145.
Myopathy, myofibrillar, 9, with early respiratory failure (MFM9). Also called: Hereditary myopathy with early respiratory failure; MYOPATHY, PROXIMAL, WITH EARLY RESPIRATORY MUSCLE INVOLVEMENT; Myopathy, distal, with early respiratory failure, autosomal dominant; EDSTROM MYOPATHY. Identifiers: Orphanet 178464, Orphanet 34521, MedGen C1863599, MONDO:0011362, OMIM 603689.
Tibial muscular dystrophy (TMD). Also called: Tibial muscular dystrophy, tardive; Udd Distal Myopathy – Tibial Muscular Dystrophy; UDD MYOPATHY. Identifiers: Orphanet 609, MedGen C1838244, MONDO:0010870, OMIM 600334.
Hypertrophic cardiomyopathy 9. Also called: Familial hypertrophic cardiomyopathy 9. Identifiers: MedGen C1861065, MONDO:0013412, OMIM 613765.
Early-onset myopathy with fatal cardiomyopathy (CMYO5). Also called: CONGENITAL MYOPATHY 5 WITH CARDIOMYOPATHY; Salih Myopathy. Identifiers: Orphanet 289377, MedGen C2673677, MONDO:0012714, OMIM 611705. Disease mechanism: loss of function.

Submissions (9):

Labcorp Genetics (formerly Invitae), Labcorp
Classification: Pathogenic for Dilated cardiomyopathy 1G; Autosomal recessive limb-girdle muscular dystrophy type 2J. Last evaluated: 2025-08-28. Review status: criteria provided, single submitter. Criteria: Invitae Variant Classification Sherloc (09022015). Collection method: clinical testing. Allele origin: germline.
Comment: This variant, c.107780_107790delinsTGAAAGAAAAA, is a complex sequence change that results in the deletion of 4 and insertion of 4 amino acid(s) in the TTN protein (p.Glu35927_Trp35930delinsValLysGluLys). The frequency data for this variant in the population databases is considered unreliable, as metrics indicate poor data quality at this position in the gnomAD database. This variant has been observed in individuals with autosomal dominant tibial muscular dystrophy and autosomal recessive limb-girdle muscular dystrophy in many families (PMID: 12145747, 15728284, 24395473). It is commonly reported in individuals of Finnish ancestry (PMID: 12145747, 15728284, 24395473). Algorithms developed to predict the effect of variants on gene product structure and function are not available or were not evaluated for this variant. Experimental studies have shown that this variant affects TTN function (PMID: 24395473, 25589632, 25739468). This variant is located in the M band of TTN (PMID: 25589632). Non-truncating variants in this region may be relevant for neuromuscular disorders, but have not been definitively shown to cause cardiomyopathy (PMID: 23975875). For these reasons, this variant has been classified as Pathogenic.

Ambry Genetics
Classification: Pathogenic for Cardiovascular phenotype. Last evaluated: 2024-08-23. Review status: criteria provided, single submitter. Criteria: Ambry Variant Classification Scheme 2023. Collection method: clinical testing. Allele origin: germline.
Comment: The c.80585_80595del11ins11 pathogenic mutation (also known as p.E26862_W26865delinsVKEK), located in coding exon 190 of the TTN gene, results from an in-frame deletion of AAGTAACATGG and insertion of TGAAAGAAAAA at nucleotide positions 80585 to 80595. This results in the in-frame deletion of four amino acids (EVTW) and insertion of four amino acids (VKEK) at codons 26862 to 26865. This exon is located in the M-band region of the N2-B isoform of the titin protein and is constitutively expressed in TTN transcripts (percent spliced in or PSI 100%). This variant (also referred to as FINmaj, and p.E33359_W33362delinsVKEK) has been reported as a Finnish founder mutation in numerous individuals across multiple families affected with phenotypes consistent with autosomal dominant tibial muscular dystrophy in the heterozygous state and autosomal recessive limb-girdle muscular dystrophy in the homozygous state, and has also been reported in the compound heterozygous state with other TTN variants in individuals with various myopathy phenotypes (Hackman P et al. Am J Hum Genet. 2002 Sep;71(3):492-500; Udd B et al. Neurology. 2005 Feb;64(4):636-42; Hackman P et al. Neuromuscul Disord. 2008 Dec;18(12):922-8; Evil&auml; A et al. Ann Neurol. 2014 Feb;75(2):230-40; Sainio MT et al. Acta Neurol Scand. 2022 Jan;145(1):63-72). In one case, this variant was heterozygous in an individual reported to have skeletal myopathy and cardiomyopathy; however, details were limited (Sainio MT et al. Acta Neurol Scand. 2022 Jan;145(1):63-72). In assays testing protein function, this variant showed functionally abnormal results (Sarparanta J et al. J Biol Chem. 2010 Sep;285(39):30304-15; Rudloff MW et al. Protein Sci. 2015 Jun;24(6):946-55). This amino acid region is not well conserved in available vertebrate species. In addition, this alteration is predicted to be deleterious by in silico analysis (Choi Y et al. PLoS ONE. 2012; 7(10):e46688). This variant is considered to be rare based on population cohorts in the Genome Aggregation Database (gnomAD). Based on the majority of available evidence to date, this variant is pathogenic in association with autosomal dominant tibial muscular dystrophy and autosomal recessive limb-girdle muscular dystrophy; however, the clinical significance of this alteration with respect to cardiomyopathy remains unclear.

Fulgent Genetics
Classification: Pathogenic for Tibial muscular dystrophy; Myopathy, myofibrillar, 9, with early respiratory failure; Dilated cardiomyopathy 1G; Autosomal recessive limb-girdle muscular dystrophy type 2J; Early-onset myopathy with fatal cardiomyopathy; Hypertrophic cardiomyopathy 9. Last evaluated: 2021-07-21. Review status: criteria provided, single submitter. Criteria: ACMG Guidelines, 2015. Collection method: clinical testing. Allele origin: unknown.

Athena Diagnostics
Classification: Pathogenic. Last evaluated: 2018-12-24. Review status: criteria provided, single submitter. Criteria: Athena Diagnostics Criteria. Collection method: clinical testing. Allele origin: germline.
Comment: Not found in the total gnomAD dataset, and the data is high quality (0/248952 chr). Found in at least one symptomatic patient. Statistically associated with disease in multiple families. (p < 0.05)

Eurofins Ntd Llc (ga)
Classification: Pathogenic. Last evaluated: 2018-09-11. Review status: criteria provided, single submitter. Criteria: EGL ClinVar v180209 classification definitions. Collection method: clinical testing. Allele origin: germline. Observed: 3 variant alleles, 3 heterozygotes.

Genetics and Personalized Medicine Clinic, Tartu University Hospital
Classification: Pathogenic for Autosomal recessive limb-girdle muscular dystrophy type 2J. Review status: criteria provided, single submitter. Criteria: ACMG Guidelines, 2015. Collection method: clinical testing. Allele origin: germline. Inheritance: Semidominant inheritance. Affected: yes.
Comment: We found in compound heterozygous state in trans with splicing variant NM_001267550.2(TTN):c.64672+2dup in two patients with Titin-related limb-girdle muscular dystrophy R10 and in monoallelic state in family members with tibial muscular dystrophy.

OMIM
Classification: Pathogenic for TIBIAL MUSCULAR DYSTROPHY, TARDIVE. Last evaluated: 2010-09-24. Review status: no assertion criteria provided. Collection method: literature only. Allele origin: germline. Not counted in ClinVar's aggregate classification.

OMIM
Classification: Pathogenic for MUSCULAR DYSTROPHY, LIMB-GIRDLE, AUTOSOMAL RECESSIVE 10. Last evaluated: 2010-09-24. Review status: no assertion criteria provided. Collection method: literature only. Allele origin: germline. Not counted in ClinVar's aggregate classification.

GeneReviews
No classification provided. Condition: Tibial muscular dystrophy. Review status: no classification provided. Collection method: literature only. Allele origin: germline. Not counted in ClinVar's aggregate classification.

Literature cited by the submitters: PubMed 12145747 (cited by 7 submitters); PubMed 15728284 (cited by 3 submitters); PubMed 24395473 (cited by 4 submitters); PubMed 25589632 (cited by Labcorp Genetics (formerly Invitae), Labcorp); PubMed 25739468 (cited by Labcorp Genetics (formerly Invitae), Labcorp and Ambry Genetics); PubMed 23975875 (cited by Labcorp Genetics (formerly Invitae), Labcorp); PubMed 18948003 (cited by Ambry Genetics); PubMed 20634290 (cited by 3 submitters); PubMed 30238059 (cited by Ambry Genetics and Athena Diagnostics); PubMed 34418069 (cited by Ambry Genetics); PubMed 20301498 (cited by GeneReviews).

NM_001267550.2(TTN):c.107780_107790delinsTGAAAGAAAAA (p.Glu35927_Trp35930delinsValLysGluLys)

Genes: TTN (titin; minus strand), TTN-AS1 (TTN antisense RNA 1; plus strand). Cytogenetic location: 2q31.2.
Variant type: Indel.
Coding change: c.107780_107790delinsTGAAAGAAAAA on transcript NM_001267550.2 (MANE Select); coding-DNA positions 107780 to 107790, AAGTAACATGG replaced by TGAAAGAAAAA.
Protein change: p.Glu35927_Trp35930delinsValLysGluLys.
Molecular consequence: missense variant.
Genome position (GRCh38, 1-based): chr2:178,527,198-178,527,208, CCATGTTACTT replaced by TTTTTCTTTCA on the plus strand (AAGTAACATGG replaced by TGAAAGAAAAA on the coding strand, the reverse complement: TTN is on the minus strand). VCF-style: chr2-178527198-CCATGTTACTT-TTTTTCTTTCA. GRCh37 (hg19) VCF-style: chr2-179391925-CCATGTTACTT-TTTTTCTTTCA.
Other names: AJ277892.2:g.293269_293279indel11; c.100076_100086delAAGTAACATGGinsTGAAAGAAAAA (NM_133378.4); c.102857_102867delinsTGAAAGAAAAA, p.Glu34286_Trp34289delinsValLysGluLys (NM_001256850.1); c.80585_80595delinsTGAAAGAAAAA, p.Glu26862_Trp26865delinsValLysGluLys (NM_003319.4); c.100076_100086delinsTGAAAGAAAAA, p.Glu33359_Trp33362delinsValLysGluLys (NM_133378.4); c.80960_80970delinsTGAAAGAAAAA, p.Glu26987_Trp26990delinsValLysGluLys (NM_133432.3); c.81161_81171delinsTGAAAGAAAAA, p.Glu27054_Trp27057delinsValLysGluLys (NM_133437.4); c.80585_80595del11insTGAAAGAAAAA (NM_003319.4).
Identifiers: ClinVar variation 12652 (VCV000012652.20), dbSNP rs281864927, ClinGen allele CA122613.
Genomic context (GRCh38, chr2:178,527,198, plus strand): 5'-TGTGTTTTCAATGTGGAACCTCCCCTGTTCTTGACTGTGGATTTTTCTTCCACCACAGGA[CCATGTTACTT>TTTTTCTTTCA]CTGGGGTAGGCTCACCCGTGAAAGCACAGGCTACTGTTAGAACTTTGCCTTCATCAATGC-3'